The following is an entry in ClinVar:

ClinVar aggregate classification (germline): Uncertain significance (1 of 4 stars; one submission).

Conditions:
Familial adenomatous polyposis 1 (FAP1). Also called: FAMILIAL ADENOMATOUS POLYPOSIS 1, ATTENUATED; POLYPOSIS, ADENOMATOUS INTESTINAL. Identifiers: MedGen C2713442, MONDO:0021056, OMIM 175100. Disease mechanism: loss of function.

Submission:

Labcorp Genetics (formerly Invitae), Labcorp
Classification: Uncertain significance for Familial adenomatous polyposis 1. Last evaluated: 2022-06-25. Review status: criteria provided, single submitter. Criteria: Invitae Variant Classification Sherloc (09022015). Collection method: clinical testing. Allele origin: germline.
Comment: In summary, the available evidence is currently insufficient to determine the role of this variant in disease. Therefore, it has been classified as a Variant of Uncertain Significance. Algorithms developed to predict the effect of missense changes on protein structure and function (SIFT, PolyPhen-2, Align-GVGD) all suggest that this variant is likely to be tolerated. This variant has not been reported in the literature in individuals affected with APC-related conditions. This variant is not present in population databases (gnomAD no frequency). This sequence change replaces proline, which is neutral and non-polar, with alanine, which is neutral and non-polar, at codon 2299 of the APC protein (p.Pro2299Ala).

NM_000038.6(APC):c.6895C>G (p.Pro2299Ala)

Gene: APC (APC regulator of Wnt signaling pathway; plus strand). Cytogenetic location: 5q22.2.
Variant type: single nucleotide variant.
Coding change: c.6895C>G on transcript NM_000038.6 (MANE Select); coding-DNA position 6895, C replaced by G.
Protein change: p.Pro2299Ala; replaces proline 2299 with alanine.
Molecular consequence: missense variant.
Genome position (GRCh38, 1-based): chr5:112,842,489, C>G. VCF-style: chr5-112842489-C-G. GRCh37 (hg19) VCF-style: chr5-112178186-C-G.
Other names: c.6895C>G, p.Pro2299Ala (NM_001127510.3, NM_001354895.2, NM_001407450.1); c.6841C>G, p.Pro2281Ala (NM_001127511.3); c.6949C>G, p.Pro2317Ala (NM_001354896.2, NM_001407447.1, NM_001407448.1 and 1 more transcripts); c.6925C>G, p.Pro2309Ala (NM_001354897.2); c.6820C>G, p.Pro2274Ala (NM_001354898.2); c.6811C>G, p.Pro2271Ala (NM_001354899.2); c.6772C>G, p.Pro2258Ala (NM_001354900.2); c.6718C>G, p.Pro2240Ala (NM_001354901.2, NM_001407453.1); and 11 more; short protein forms P2198A, P2208A, P2271A, P1915A, P2016A, P2281A, P2292A, P2317A.
Identifiers: ClinVar variation 2100714 (VCV002100714.4), dbSNP rs1060503267, ClinGen allele CA16036377.